The following is an entry in ClinVar:

NM_000416.3(IFNGR1):c.811A>T (p.Lys271Ter)

Gene: IFNGR1 (interferon gamma receptor 1; minus strand). Cytogenetic location: 6q23.3.
Variant type: single nucleotide variant.
Coding change: c.811A>T on transcript NM_000416.3 (MANE Select); coding-DNA position 811, A replaced by T.
Protein change: p.Lys271Ter; replaces lysine 271 with a stop codon.
Molecular consequence: nonsense.
Genome position (GRCh38, 1-based): chr6:137,200,931, T>A on the plus strand (A>T on the coding strand, the complement: IFNGR1 is on the minus strand). VCF-style: chr6-137200931-T-A. GRCh37 (hg19) VCF-style: chr6-137522068-T-A.
Other names: c.781A>T, p.Lys261Ter (NM_001363526.1); c.688A>T, p.Lys230Ter (NM_001363527.1); short protein forms K261*, K230*, K271*.
Identifiers: ClinVar variation 4725529 (VCV004725529.1).

ClinVar aggregate classification (germline): Pathogenic (1 of 4 stars; one submission).

Conditions:
Disseminated atypical mycobacterial infection. Identifiers: MedGen C0694566.

Submission:

Labcorp Genetics (formerly Invitae), Labcorp
Classification: Pathogenic for Disseminated atypical mycobacterial infection. Last evaluated: 2025-08-18. Review status: criteria provided, single submitter. Criteria: Invitae Variant Classification Sherloc (09022015). Collection method: clinical testing. Allele origin: germline.
Comment: This sequence change creates a premature translational stop signal (p.Lys271*) in the IFNGR1 gene. It is expected to result in an absent or disrupted protein product. Loss-of-function variants in IFNGR1 are known to be pathogenic (PMID: 8960473, 9806040). This variant is not present in population databases (gnomAD no frequency). This variant has not been reported in the literature in individuals affected with IFNGR1-related conditions. Algorithms developed to predict the effect of sequence changes on RNA splicing suggest that this variant may disrupt the consensus splice site. For these reasons, this variant has been classified as Pathogenic.

Literature cited by the submitters: PubMed 8960473; PubMed 9806040.